The following is an entry in ClinVar:

ClinVar aggregate classification (germline): Uncertain significance (1 of 4 stars; one submission).

Conditions:
Epidermodysplasia verruciformis. Identifiers: Orphanet 302, MedGen C0014522, MONDO:0009176.

gnomAD v4.1: 1 of 1,601,144 alleles (0.000062%); highest among the groups gnomAD compares: East Asian, 0.0022%; no homozygotes.

Submission:

Labcorp Genetics (formerly Invitae), Labcorp
Classification: Uncertain significance for Epidermodysplasia verruciformis. Last evaluated: 2025-03-10. Review status: criteria provided, single submitter. Criteria: Invitae Variant Classification Sherloc (09022015). Collection method: clinical testing. Allele origin: germline.
Comment: This sequence change replaces serine, which is neutral and polar, with arginine, which is basic and polar, at codon 195 of the TMC6 protein (p.Ser195Arg). The frequency data for this variant in the population databases is considered unreliable, as metrics indicate poor data quality at this position in the gnomAD database. This variant has not been reported in the literature in individuals affected with TMC6-related conditions. An algorithm developed to predict the effect of missense changes on protein structure and function outputs the following: PolyPhen-2: "Benign". The arginine amino acid residue is found in multiple mammalian species, which suggests that this missense change does not adversely affect protein function. In summary, the available evidence is currently insufficient to determine the role of this variant in disease. Therefore, it has been classified as a Variant of Uncertain Significance.

NM_001127198.5(TMC6):c.585C>A (p.Ser195Arg)

Genes: TMC6 (transmembrane channel like 6; minus strand), LOC130061786 (ATAC-STARR-seq lymphoblastoid silent region 9039; plus strand). Cytogenetic location: 17q25.3.
Variant type: single nucleotide variant.
Coding change: c.585C>A on transcript NM_001127198.5 (MANE Select); coding-DNA position 585, C replaced by A.
Protein change: p.Ser195Arg; replaces serine 195 with arginine.
Molecular consequence: missense variant. On other transcripts: non-coding transcript variant (3).
Genome position (GRCh38, 1-based): chr17:78,124,937, G>T on the plus strand (C>A on the coding strand, the complement: TMC6 is on the minus strand). VCF-style: chr17-78124937-G-T. GRCh37 (hg19) VCF-style: chr17-76121018-G-T.
Other names: c.585C>A, p.Ser195Arg (NM_001374593.1, NM_001374594.1, NM_001374596.1 and 4 more transcripts); short protein forms S195R.
Identifiers: ClinVar variation 3628361 (VCV003628361.2).
Genomic context (GRCh38, chr17:78,124,937, plus strand): 5'-AGGGGCCCATACCAGCACGCAGGCATATCTGAGCCGGCCACAGCAGGAGCAGACCCCGCC[G>T]CTGCCCGGCTGGCCCCTCCACTTCCCCCTCGGGGTCCTGCTCTTCTCTCTGGGGACAGAG-3'
Protein context (NP_001120670.1, residues 185-205): PRGKWRGQPG[Ser195Arg]GGVCSCCGRL